The following is an entry in ClinVar:

ClinVar aggregate classification (germline): Uncertain significance (1 of 4 stars; one submission).

Allele frequency attached by ClinVar (database versions not stated): gnomAD exomes below 0.00001 and 0.00001.
gnomAD v4.1: 2 of 1,611,554 alleles (0.00012%); highest among the groups gnomAD compares: Admixed American, 0.0033%; no homozygotes.

Submission:

Labcorp Genetics (formerly Invitae), Labcorp
Classification: Uncertain significance. Last evaluated: 2022-07-19. Review status: criteria provided, single submitter. Criteria: Invitae Variant Classification Sherloc (09022015). Collection method: clinical testing. Allele origin: germline.
Comment: In summary, the available evidence is currently insufficient to determine the role of this variant in disease. Therefore, it has been classified as a Variant of Uncertain Significance. Algorithms developed to predict the effect of missense changes on protein structure and function are either unavailable or do not agree on the potential impact of this missense change (SIFT: "Deleterious"; PolyPhen-2: "Probably Damaging"; Align-GVGD: "Class C0"). ClinVar contains an entry for this variant (Variation ID: 1381730). This variant has not been reported in the literature in individuals affected with GUCY2C-related conditions. This variant is present in population databases (no rsID available, gnomAD 0.006%). This sequence change replaces tyrosine, which is neutral and polar, with cysteine, which is neutral and slightly polar, at codon 325 of the GUCY2C protein (p.Tyr325Cys).

NM_004963.4(GUCY2C):c.974A>G (p.Tyr325Cys)

Genes: GUCY2C-AS1 (GUCY2C antisense RNA 1; plus strand), GUCY2C (guanylate cyclase 2C; minus strand). Cytogenetic location: 12p12.3.
Variant type: single nucleotide variant.
Coding change: c.974A>G on transcript NM_004963.4 (MANE Select); coding-DNA position 974, A replaced by G.
Protein change: p.Tyr325Cys; replaces tyrosine 325 with cysteine.
Molecular consequence: missense variant.
Genome position (GRCh38, 1-based): chr12:14,674,735, T>C on the plus strand (A>G on the coding strand, the complement: GUCY2C is on the minus strand). VCF-style: chr12-14674735-T-C. GRCh37 (hg19) VCF-style: chr12-14827669-T-C.
Other names: short protein forms Y325C.
Identifiers: ClinVar variation 1381730 (VCV001381730.8), dbSNP rs1466597399, ClinGen allele CA384001630.